The following is an entry in ClinVar:

ClinVar aggregate classification (germline): Pathogenic (1 of 4 stars; one submission).

Conditions:
Neurofibromatosis, type 1 (NF1). Also called: Neurofibromatosis, type I; VON RECKLINGHAUSEN DISEASE; NEUROFIBROMATOSIS, TYPE I, SOMATIC; Peripheral type neurofibromatosis. Identifiers: Orphanet 636, MedGen C0027831, MONDO:0018975, OMIM 162200. Disease mechanism: loss of function.

Submission:

Labcorp Genetics (formerly Invitae), Labcorp
Classification: Pathogenic for Neurofibromatosis, type 1. Last evaluated: 2022-10-07. Review status: criteria provided, single submitter. Criteria: Invitae Variant Classification Sherloc (09022015). Collection method: clinical testing. Allele origin: germline.
Comment: This variant is not present in population databases (gnomAD no frequency). This sequence change creates a premature translational stop signal (p.Glu2337*) in the NF1 gene. It is expected to result in an absent or disrupted protein product. Loss-of-function variants in NF1 are known to be pathogenic (PMID: 10712197, 23913538). This variant has not been reported in the literature in individuals affected with NF1-related conditions. For these reasons, this variant has been classified as Pathogenic. Algorithms developed to predict the effect of sequence changes on RNA splicing suggest that this variant may create or strengthen a splice site. ClinVar contains an entry for this variant (Variation ID: 1457075).

Literature cited by the submitters: PubMed 10712197; PubMed 23913538.

NM_001042492.3(NF1):c.7072G>T (p.Glu2358Ter)

Gene: NF1 (neurofibromin 1; plus strand). Cytogenetic location: 17q11.2.
Variant type: single nucleotide variant.
Coding change: c.7072G>T on transcript NM_001042492.3 (MANE Select); coding-DNA position 7072, G replaced by T.
Protein change: p.Glu2358Ter; replaces glutamic acid 2358 with a stop codon.
Molecular consequence: nonsense.
Genome position (GRCh38, 1-based): chr17:31,343,018, G>T. VCF-style: chr17-31343018-G-T. GRCh37 (hg19) VCF-style: chr17-29670036-G-T.
Other names: c.7009G>T, p.Glu2337Ter (NM_000267.4); short protein forms E2337*, E2358*.
Identifiers: ClinVar variation 1457075 (VCV001457075.6), dbSNP rs2069865899, ClinGen allele CA399015521.